The following is an entry in ClinVar:

NM_015046.7(SETX):c.4931_4932del (p.Ile1644fs)

Gene: SETX (senataxin; minus strand). Cytogenetic location: 9q34.13.
Variant type: Deletion.
Coding change: c.4931_4932del on transcript NM_015046.7 (MANE Select); coding-DNA positions 4931 to 4932, 2 bases deleted (TA; older notation c.4931_4932delTA).
Protein change: p.Ile1644fs; shifts the reading frame from isoleucine 1644.
Molecular consequence: frameshift variant.
Genome position (GRCh38, 1-based): chr9:132,326,666-132,326,667, TA deleted on the plus strand (TA on the coding strand, the reverse complement: SETX is on the minus strand); deleting any 2 consecutive bases within chr9:132,326,666-132,326,668 gives the same sequence; the c. name uses the placement nearest the transcript's 3' end. VCF-style (leftmost placement, unchanged base first): chr9-132326665-CTA-C. GRCh37 (hg19) VCF-style: chr9-135202052-CTA-C.
Other names: c.4931_4932del, p.Ile1644fs (NM_001351527.2, NM_001351528.2); short protein forms I1644fs.
Identifiers: ClinVar variation 1333209 (VCV001333209.1), dbSNP rs2131428041, ClinGen allele CA2573053121.

ClinVar aggregate classification (germline): Pathogenic (1 of 4 stars; one submission).

Conditions:
Spinocerebellar ataxia, autosomal recessive, with axonal neuropathy 2 (SCAN2). Also called: ATAXIA-OCULOMOTOR APRAXIA 2; Ataxia-ocular apraxia-2; Ataxia with Oculomotor Apraxia; Ataxia with Oculomotor Apraxia Type 2. Identifiers: Orphanet 64753, MedGen C1853761, MONDO:0018996, OMIM 606002.

Submission:

3billion
Classification: Pathogenic for Spinocerebellar ataxia, autosomal recessive, with axonal neuropathy 2. Last evaluated: 2022-01-03. Review status: criteria provided, single submitter. Criteria: ACMG Guidelines, 2015. Collection method: clinical testing. Allele origin: germline. Affected: yes. Observed: 1 heterozygote.
Comment: Frameshift: predicted to result in a loss or disruption of normal protein function through nonsense-mediated decay (NMD) or protein truncation. Multiple pathogenic variants are reported downstream of the variant (PVS1_VS). It is not observed in the gnomAD v2.1.1 dataset (PM2_M). The variant has been reported to be associated with SETX related disorder (PMID:28017231). Therefore, this variant is classified as pathogenic according to the recommendation of ACMG/AMP guideline.

Literature cited by the submitters: PubMed 28017231.